The following is an entry in ClinVar:

NM_032638.5(GATA2):c.670G>T (p.Glu224Ter)

Gene: GATA2 (GATA binding protein 2; minus strand). Cytogenetic location: 3q21.3.
Variant type: single nucleotide variant.
Coding change: c.670G>T on transcript NM_032638.5 (MANE Select); coding-DNA position 670, G replaced by T.
Protein change: p.Glu224Ter; replaces glutamic acid 224 with a stop codon.
Molecular consequence: nonsense.
Genome position (GRCh38, 1-based): chr3:128,485,928, C>A on the plus strand (G>T on the coding strand, the complement: GATA2 is on the minus strand). VCF-style: chr3-128485928-C-A. GRCh37 (hg19) VCF-style: chr3-128204771-C-A.
Other names: c.670G>T, p.Glu224Ter (NM_001145661.2, NM_001145662.1); short protein forms E224*.
Identifiers: ClinVar variation 1184228 (VCV001184228.1), dbSNP rs2107672186, ClinGen allele CA354406282.

ClinVar aggregate classification (germline): Pathogenic (1 of 4 stars; one submission).

Conditions:
Deafness-lymphedema-leukemia syndrome. Also called: Emberger syndrome; Lymphedema, primary, with myelodysplasia. Identifiers: Orphanet 3226, MedGen C3279664, MONDO:0013540, OMIM 614038.
GATA2 deficiency with susceptibility to MDS/AML. Identifiers: MedGen CN300066, MONDO:0042982.

Submission:

Molecular Pathology Research Laboratory, SA Pathology
Classification: Pathogenic for GATA2 deficiency with susceptibility to MDS/AML; Deafness-lymphedema-leukemia syndrome. Last evaluated: 2021-07-06. Review status: criteria provided, single submitter. Criteria: ACMG Guidelines, 2015. Collection method: curation. Allele origin: unknown. Inheritance: Autosomal dominant inheritance. Affected: yes. Observed: 1 variant allele.
Comment: PVS1, PS4_Supporting, PM2

Literature cited by the submitters: PubMed 23223431; PubMed 29724903.